The following is an entry in ClinVar:

ClinVar aggregate classification (germline): Uncertain significance (1 of 4 stars; one submission).

Conditions:
Ataxia-telangiectasia syndrome (AT). Also called: LOUIS-BAR SYNDROME; Cerebello-oculocutaneous telangiectasia; Immunodeficiency with ataxia telangiectasia; Ataxia-telangiectasia, complementation group D; AT, COMPLEMENTATION GROUP C; Ataxia-telangiectasia, complementation group E. Identifiers: Orphanet 100, MedGen C0004135, MONDO:0008840, OMIM 208900.

Submission:

Labcorp Genetics (formerly Invitae), Labcorp
Classification: Uncertain significance for Ataxia-telangiectasia syndrome. Last evaluated: 2019-11-01. Review status: criteria provided, single submitter. Criteria: Invitae Variant Classification Sherloc (09022015). Collection method: clinical testing. Allele origin: germline.
Comment: In summary, this variant is a novel missense change with uncertain impact on protein function. It has been classified as a Variant of Uncertain Significance. Algorithms developed to predict the effect of missense changes on protein structure and function do not agree on the potential impact of this missense change (SIFT: "Deleterious"; PolyPhen-2: "Probably Damaging"; Align-GVGD: "Class C0"). This variant is not present in population databases (ExAC no frequency) and has not been reported in the literature in individuals with a ATM-related disease. This sequence change replaces leucine with proline at codon 2073 of the ATM protein (p.Leu2073Pro). The leucine residue is highly conserved and there is a moderate physicochemical difference between leucine and proline.

NM_000051.4(ATM):c.6218T>C (p.Leu2073Pro)

Genes: ATM (ATM serine/threonine kinase; plus strand), C11orf65 (chromosome 11 open reading frame 65; minus strand). Cytogenetic location: 11q22.3.
Variant type: single nucleotide variant.
Coding change: c.6218T>C on transcript NM_000051.4 (MANE Select); coding-DNA position 6218, T replaced by C.
Protein change: p.Leu2073Pro; replaces leucine 2073 with proline.
Molecular consequence: missense variant. On other transcripts: intron variant (2).
Genome position (GRCh38, 1-based): chr11:108,317,392, T>C. VCF-style: chr11-108317392-T-C. GRCh37 (hg19) VCF-style: chr11-108188119-T-C.
Other names: c.6218T>C, p.Leu2073Pro (NM_001351834.2); c.641-8321A>G (NM_001330368.2); c.*39-8321A>G (NM_001351110.2); short protein forms L2073P.
Identifiers: ClinVar variation 453621 (VCV000453621.11), dbSNP rs1555114582, ClinGen allele CA382551109.
Genomic context (GRCh38, chr11:108,317,392, plus strand): 5'-CTTTGATTACTTAACTTAAAAACAAAATAACTCCTGTTTAGGCCTTGCAGAATTTGGGAC[T>C]CTGCCATATTCTTTCCGTCTATTTAAAAGGATTGGATTATGAAAATAAAGACTGGTGTCC-3'
Protein context (NP_000042.3, residues 2063-2083): GIIQALQNLG[Leu2073Pro]CHILSVYLKG